The following is an entry in ClinVar:

ClinVar aggregate classification (germline): Uncertain significance (1 of 4 stars; one submission).

Conditions:
Familial adenomatous polyposis 1 (FAP1). Also called: FAMILIAL ADENOMATOUS POLYPOSIS 1, ATTENUATED; POLYPOSIS, ADENOMATOUS INTESTINAL. Identifiers: MedGen C2713442, MONDO:0021056, OMIM 175100. Disease mechanism: loss of function.

Submission:

Labcorp Genetics (formerly Invitae), Labcorp
Classification: Uncertain significance for Familial adenomatous polyposis 1. Last evaluated: 2023-03-01. Review status: criteria provided, single submitter. Criteria: Invitae Variant Classification Sherloc (09022015). Collection method: clinical testing. Allele origin: germline.
Comment: This sequence change replaces leucine, which is neutral and non-polar, with isoleucine, which is neutral and non-polar, at codon 2558 of the APC protein (p.Leu2558Ile). This variant is not present in population databases (gnomAD no frequency). This variant has not been reported in the literature in individuals affected with APC-related conditions. ClinVar contains an entry for this variant (Variation ID: 848868). Advanced modeling of protein sequence and biophysical properties (such as structural, functional, and spatial information, amino acid conservation, physicochemical variation, residue mobility, and thermodynamic stability) performed at Invitae indicates that this missense variant is not expected to disrupt APC protein function. In summary, the available evidence is currently insufficient to determine the role of this variant in disease. Therefore, it has been classified as a Variant of Uncertain Significance.

NM_000038.6(APC):c.7672C>A (p.Leu2558Ile)

Gene: APC (APC regulator of Wnt signaling pathway; plus strand). Cytogenetic location: 5q22.2.
Variant type: single nucleotide variant.
Coding change: c.7672C>A on transcript NM_000038.6 (MANE Select); coding-DNA position 7672, C replaced by A.
Protein change: p.Leu2558Ile; replaces leucine 2558 with isoleucine.
Molecular consequence: missense variant.
Genome position (GRCh38, 1-based): chr5:112,843,266, C>A. VCF-style: chr5-112843266-C-A. GRCh37 (hg19) VCF-style: chr5-112178963-C-A.
Other names: c.7672C>A, p.Leu2558Ile (NM_001127510.3, NM_001354895.2); c.7618C>A, p.Leu2540Ile (NM_001127511.3); c.7726C>A, p.Leu2576Ile (NM_001354896.2); c.7702C>A, p.Leu2568Ile (NM_001354897.2); c.7597C>A, p.Leu2533Ile (NM_001354898.2); c.7588C>A, p.Leu2530Ile (NM_001354899.2); c.7549C>A, p.Leu2517Ile (NM_001354900.2); c.7495C>A, p.Leu2499Ile (NM_001354901.2); and 5 more; short protein forms L2275I, L2457I, L2467I, L2558I, L2530I, L2540I, L2576I, L2398I.
Identifiers: ClinVar variation 848868 (VCV000848868.11), dbSNP rs766065118, ClinGen allele CA16037996.
Genomic context (GRCh38, chr5:112,843,266, plus strand): 5'-AGACTTCCAATCAATAGGTCAGGAACCTGGAAACGTGAGCACAGCAAACATTCATCATCC[C>A]TTCCTCGAGTAAGCACTTGGAGAAGAACTGGAAGTTCATCTTCAATTCTTTCTGCTTCAT-3'
Protein context (NP_000029.2, residues 2548-2568): KREHSKHSSS[Leu2558Ile]PRVSTWRRTG